The following is an entry in ClinVar:

ClinVar aggregate classification (germline): Uncertain significance (1 of 4 stars; one submission).

Conditions:
Orofacial cleft 6, susceptibility to (OFC6). Also called: CLEFT LIP WITH OR WITHOUT CLEFT PALATE, NONSYNDROMIC, 6. Identifiers: MedGen C1837213, MONDO:0012141, OMIM 608864.
Van der Woude syndrome 1. Also called: CLEFT LIP AND/OR PALATE WITH MUCOUS CYSTS OF LOWER LIP; van der Woude Syndrome (VWS). Identifiers: MedGen C4551864, MONDO:0007333, OMIM 119300.
Popliteal pterygium syndrome (PPS). Identifiers: Orphanet 294963, MedGen C0265259, MONDO:0017435.

Submission:

Labcorp Genetics (formerly Invitae), Labcorp
Classification: Uncertain significance for Orofacial cleft 6, susceptibility to; Van der Woude syndrome; Popliteal pterygium syndrome. Last evaluated: 2017-10-18. Review status: criteria provided, single submitter. Criteria: Invitae Variant Classification Sherloc (09022015). Collection method: clinical testing. Allele origin: germline.
Comment: This sequence change deletes 1 nucleotide in exon 9 of the IRF6 mRNA (c.1368delC), causing a frameshift at codon 457. This is not anticipated to result in nonsense mediated decay but it is expected to expected to alter the last 11 amino acids and extend the IRF6 protein by an additional 22 amino acids (p.Ser457Alafs*34). This variant is not present in population databases (ExAC no frequency). This variant has not been reported in the literature in individuals with IRF6-related disease. Experimental studies and prediction algorithms are not available for this variant, and the functional significance of the disrupted amino acids is currently unknown. Multiple downstream frameshift variants that results in an extended protein product have been reported in individuals affected with van der Woude syndrome (PMID: PMID: 12219090, 23154523, 19282774). However these variants create a frameshifts and extensions that are different from the one created by this variant. Therefore the effect of this particular frameshift and extension is currently unknown. In summary, the available evidence is currently insufficient to determine the role of this variant in disease. Therefore, it has been classified as a Variant of Uncertain Significance.

Literature cited by the submitters: PubMed 12219090; PubMed 23154523; PubMed 19282774.

NM_006147.4(IRF6):c.1368del (p.Ser457fs)

Gene: IRF6 (interferon regulatory factor 6; minus strand). Cytogenetic location: 1q32.2.
Variant type: Deletion.
Coding change: c.1368del on transcript NM_006147.4 (MANE Select); coding-DNA position 1368, one base deleted (C; older notation c.1368delC).
Protein change: p.Ser457fs; shifts the reading frame from serine 457.
Molecular consequence: frameshift variant.
Genome position (GRCh38, 1-based): chr1:209,788,456, G deleted on the plus strand (C on the coding strand, the reverse complement: IRF6 is on the minus strand); the first of 5 consecutive G bases (chr1:209,788,456-209,788,460); deleting any one gives the same sequence. VCF-style (leftmost placement, unchanged base first): chr1-209788455-TG-T. GRCh37 (hg19) VCF-style: chr1-209961800-TG-T.
Other names: c.1083del, p.Ser362fs (NM_001206696.2); short protein forms S457fs, S362fs.
Identifiers: ClinVar variation 533114 (VCV000533114.1), dbSNP rs1553247577, ClinGen allele CA658795587.